The following is an entry in ClinVar:

NM_001127178.3(PIGG):c.2019G>C (p.Gln673His)

Gene: PIGG (phosphatidylinositol glycan anchor biosynthesis class G (EMM blood group); plus strand). Cytogenetic location: 4p16.3.
Variant type: single nucleotide variant.
Coding change: c.2019G>C on transcript NM_001127178.3 (MANE Select); coding-DNA position 2019, G replaced by C.
Protein change: p.Gln673His; replaces glutamine 673 with histidine.
Molecular consequence: missense variant. On other transcripts: non-coding transcript variant (6).
Genome position (GRCh38, 1-based): chr4:523,863, G>C. VCF-style: chr4-523863-G-C. GRCh37 (hg19) VCF-style: chr4-517652-G-C.
Other names: c.1752G>C, p.Gln584His (NM_001289051.2, NM_001345986.2); c.1620G>C, p.Gln540His (NM_001289052.2); c.1728G>C, p.Gln576His (NM_001345987.2); c.990G>C, p.Gln330His (NM_001345988.2); c.486G>C, p.Gln162His (NM_001345990.2, NM_001345991.2); c.921G>C, p.Gln307His (NM_001345994.2); c.1995G>C, p.Gln665His (NM_017733.5); short protein forms Q576H, Q665H, Q162H, Q307H, Q584H, Q673H, Q330H, Q540H.
Identifiers: ClinVar variation 1423597 (VCV001423597.3), dbSNP rs1205397074, ClinGen allele CA355907968.

ClinVar aggregate classification (germline): Uncertain significance (1 of 4 stars; one submission).

Conditions:
Intellectual disability, autosomal recessive 53 (NEDHSCA). Also called: GLYCOSYLPHOSPHATIDYLINOSITOL BIOSYNTHESIS DEFECT 13; Mental retardation, autosomal recessive 53; NEURODEVELOPMENTAL DISORDER WITH OR WITHOUT HYPOTONIA, SEIZURES, AND CEREBELLAR ATROPHY. Identifiers: Orphanet 488635, MedGen C4310794, MONDO:0014832, OMIM 616917.

gnomAD v4.1: 3 of 1,582,368 alleles (0.00019%); highest among the groups gnomAD compares: African/African-American, 0.0013%; no homozygotes.

Submission:

Labcorp Genetics (formerly Invitae), Labcorp
Classification: Uncertain significance for Intellectual disability, autosomal recessive 53. Last evaluated: 2022-07-19. Review status: criteria provided, single submitter. Criteria: Invitae Variant Classification Sherloc (09022015). Collection method: clinical testing. Allele origin: germline.
Comment: This sequence change replaces glutamine, which is neutral and polar, with histidine, which is basic and polar, at codon 673 of the PIGG protein (p.Gln673His). This variant is not present in population databases (gnomAD no frequency). This variant has not been reported in the literature in individuals affected with PIGG-related conditions. ClinVar contains an entry for this variant (Variation ID: 1423597). Algorithms developed to predict the effect of missense changes on protein structure and function output the following: SIFT: "Deleterious"; PolyPhen-2: "Benign"; Align-GVGD: "Class C0". The histidine amino acid residue is found in multiple mammalian species, which suggests that this missense change does not adversely affect protein function. In summary, the available evidence is currently insufficient to determine the role of this variant in disease. Therefore, it has been classified as a Variant of Uncertain Significance.